The following is an entry in ClinVar:

ClinVar aggregate classification (germline): Likely benign (0 of 4 stars; one submission).

Conditions:
UGT1A9-related disorder. Also called: UGT1A9-related condition.

Allele frequency attached by ClinVar (database versions not stated): gnomAD exomes 0.00008; ExAC 0.00020; ESP Exome Variant Server 0.00038; TOPMed 0.00046; gnomAD 0.00052.
gnomAD v4.1: 239 of 1,614,148 alleles (0.015%); highest among the groups gnomAD compares: African/African-American, 0.22%; 4 homozygotes.

Submission:

PreventionGenetics, part of Exact Sciences
Classification: Likely benign for UGT1A9-related condition. Last evaluated: 2019-05-28. Review status: no assertion criteria provided. Collection method: clinical testing. Allele origin: germline.
Comment: This variant is classified as likely benign based on ACMG/AMP sequence variant interpretation guidelines (Richards et al. 2015 PMID: 25741868, with internal and published modifications).

NM_021027.3(UGT1A9):c.432A>G (p.Ala144=)

Genes: UGT1A (UDP glucuronosyltransferase family 1 member A complex locus; plus strand), UGT1A10 (UDP glucuronosyltransferase family 1 member A10; plus strand), UGT1A8 (UDP glucuronosyltransferase family 1 member A8; plus strand), UGT1A9 (UDP glucuronosyltransferase family 1 member A9; plus strand). Cytogenetic location: 2q37.1.
Variant type: single nucleotide variant.
Coding change: c.432A>G on transcript NM_021027.3 (MANE Select); coding-DNA position 432, A replaced by G.
Protein change: p.Ala144=; no amino-acid change (alanine 144 retained).
Molecular consequence: synonymous variant. On other transcripts: intron variant (2).
Genome position (GRCh38, 1-based): chr2:233,672,366, A>G. VCF-style: chr2-233672366-A-G. GRCh37 (hg19) VCF-style: chr2-234581012-A-G.
Other names: c.855+53804A>G (NM_019076.5); c.855+34989A>G (NM_019075.4).
Identifiers: ClinVar variation 3038913 (VCV003038913.2), dbSNP rs113101046, ClinGen allele CA2178048.
Genomic context (GRCh38, chr2:233,672,366, plus strand): 5'-CAGGAGTTTGTTTAAAGACAAAAAATTAGTAGAATACTTAAAGGAGAGTTCTTTTGATGC[A>G]GTGTTTCTCGATCCTTTTGATAACTGTGGCTTAATTGTTGCCAAATATTTCTCCCTCCCC-3'
Protein context (NP_066307.1, residues 134-154): VEYLKESSFD[Ala144=]VFLDPFDNCG